The following is an entry in ClinVar:

ClinVar aggregate classification (germline): Benign. Review status: criteria provided, multiple submitters, no conflicts (2 of 4 stars). 7 submissions from 7 submitters: Benign (7). Last evaluated 2026-02-03.

Conditions:
Autosomal recessive nonsyndromic hearing loss 25. Identifiers: Orphanet 90636, MedGen C1414017, MONDO:0013210, OMIM 613285.

Allele frequency attached by ClinVar (database versions not stated): gnomAD 0.07551 and 0.08373; 1000 Genomes Project 0.16494; ExAC 0.11966; 1000 Genomes Project 30x 0.16162; ESP Exome Variant Server 0.05687; gnomAD exomes 0.08162 and 0.12301; TOPMed 0.09124.

Submissions (7):

Labcorp Genetics (formerly Invitae), Labcorp
Classification: Benign. Last evaluated: 2026-02-03. Review status: criteria provided, single submitter. Criteria: Invitae Variant Classification Sherloc (09022015). Collection method: clinical testing. Allele origin: germline.

Mayo Clinic Laboratories, Mayo Clinic
Classification: Benign. Last evaluated: 2021-02-19. Review status: criteria provided, single submitter. Criteria: ACMG Guidelines, 2015. Collection method: clinical testing. Allele origin: germline. Observed: 25 variant alleles.

Illumina Laboratory Services, Illumina
Classification: Benign for Autosomal recessive nonsyndromic hearing loss 25. Last evaluated: 2018-01-13. Review status: criteria provided, single submitter. Criteria: ICSL Variant Classification Criteria 13 December 2019. Collection method: clinical testing. Allele origin: germline.
Comment: This variant was observed in the ICSL laboratory as part of a predisposition screen in an ostensibly healthy population. It had not been previously curated by ICSL or reported in the Human Gene Mutation Database (HGMD: prior to June 1st, 2018), and was therefore a candidate for classification through an automated scoring system. Utilizing variant allele frequency, disease prevalence and penetrance estimates, and inheritance mode, an automated score was calculated to assess if this variant is too frequent to cause the disease. Based on the score and internal cut-off values, a variant classified as benign is not then subjected to further curation. The score for this variant resulted in a classification of benign for this disease.

GeneDx
Classification: Benign. Last evaluated: 2017-05-09. Review status: criteria provided, single submitter. Criteria: GeneDx Variant Classification (06012015). Collection method: clinical testing. Allele origin: germline. Affected: yes.
Comment: This variant is considered likely benign or benign based on one or more of the following criteria: it is a conservative change, it occurs at a poorly conserved position in the protein, it is predicted to be benign by multiple in silico algorithms, and/or has population frequency not consistent with disease.

Laboratory for Molecular Medicine, Mass General Brigham Personalized Medicine
Classification: Benign. Last evaluated: 2012-05-07. Review status: criteria provided, single submitter. Criteria: LMM Criteria. Collection method: clinical testing. Allele origin: germline. Observed: 286 variant alleles.
Comment: Ala47Val in Exon 01 of GRXCR1: This variant is not expected to have clinical sig nificance because it has been identified in 5.7% (386/6772) of European American chromosomes from a broad population by the NHLBI Exome Sequencing Project (dbSNP rs57655409).

Breakthrough Genomics
Classification: Benign. Review status: criteria provided, single submitter. Criteria: ACMG Guidelines, 2015. Collection method: not provided. Allele origin: germline. Inheritance: Autosomal recessive inheritance. Affected: yes.

PreventionGenetics, part of Exact Sciences
Classification: Benign. Review status: criteria provided, single submitter. Criteria: ACMG Guidelines, 2015. Collection method: clinical testing. Allele origin: germline.

NM_001080476.3(GRXCR1):c.140C>T (p.Ala47Val)

Gene: GRXCR1 (glutaredoxin and cysteine rich domain containing 1; plus strand). Cytogenetic location: 4p13.
Variant type: single nucleotide variant.
Coding change: c.140C>T on transcript NM_001080476.3 (MANE Select); coding-DNA position 140, C replaced by T.
Protein change: p.Ala47Val; replaces alanine 47 with valine.
Molecular consequence: missense variant.
Genome position (GRCh38, 1-based): chr4:42,893,406, C>T. VCF-style: chr4-42893406-C-T. GRCh37 (hg19) VCF-style: chr4-42895423-C-T.
Other names: short protein forms A47V.
Identifiers: ClinVar variation 43886 (VCV000043886.18), dbSNP rs57655409, ClinGen allele CA133093.